The following is an entry in ClinVar:

NM_173653.4(SLC9A9):c.1774C>T (p.Gln592Ter)

Gene: SLC9A9 (solute carrier family 9 member A9; minus strand). Cytogenetic location: 3q24.
Variant type: single nucleotide variant.
Coding change: c.1774C>T on transcript NM_173653.4 (MANE Select); coding-DNA position 1774, C replaced by T.
Protein change: p.Gln592Ter; replaces glutamine 592 with a stop codon.
Molecular consequence: nonsense.
Genome position (GRCh38, 1-based): chr3:143,266,866, G>A on the plus strand (C>T on the coding strand, the complement: SLC9A9 is on the minus strand). VCF-style: chr3-143266866-G-A. GRCh37 (hg19) VCF-style: chr3-142985708-G-A.
Other names: short protein forms Q592*.
Identifiers: ClinVar variation 4074730 (VCV004074730.1).

ClinVar aggregate classification (germline): Likely pathogenic (1 of 4 stars; one submission).

Conditions:
Autism, susceptibility to, 16. Also called: Autism susceptibility 16; AUTISM WITH OR WITHOUT SEIZURES. Identifiers: MedGen C3150677, MONDO:0013258, OMIM 613410.

gnomAD v4.1: 43 of 1,613,998 alleles (0.0027%); highest among the groups gnomAD compares: Non-Finnish European, 0.0033%; no homozygotes.

Submission:

Institute of Immunology and Genetics Kaiserslautern
Classification: Likely pathogenic for Autism, susceptibility to, 16. Last evaluated: 2025-06-04. Review status: criteria provided, single submitter. Criteria: ACMG Guidelines, 2015. Collection method: clinical testing. Allele origin: germline. Affected: yes.
Comment: ACMG Criteria: PVS1, PM2; Variant was found in heterozygous state.